The following is an entry in ClinVar:

ClinVar aggregate classification (germline): Uncertain significance (1 of 4 stars; one submission).

Conditions:
Autosomal dominant nocturnal frontal lobe epilepsy 5. Also called: KCNT1-Related Epilepsy; CILIARY DYSKINESIA, PRIMARY, 28, WITHOUT SITUS INVERSUS; CILIARY DYSKINESIA, PRIMARY, 28, WITH SITUS INVERSUS; Epilepsy, nocturnal frontal lobe, 5. Identifiers: Orphanet 98784, MedGen C3554306, MONDO:0014002, OMIM 615005.
Developmental and epileptic encephalopathy, 14 (DEE14). Also called: Early infantile epileptic encephalopathy 14. Identifiers: Orphanet 293181, MedGen C3554195, MONDO:0013989, OMIM 614959.

Allele frequency attached by ClinVar (database versions not stated): ExAC 0.00001; gnomAD 0.00001; gnomAD exomes 0.00001; TOPMed 0.00002.
gnomAD v4.1: 10 of 1,612,710 alleles (0.00062%); highest among the groups gnomAD compares: Admixed American, 0.0017%; no homozygotes.

Submission:

Labcorp Genetics (formerly Invitae), Labcorp
Classification: Uncertain significance for Autosomal dominant nocturnal frontal lobe epilepsy 5; Developmental and epileptic encephalopathy, 14. Last evaluated: 2025-01-13. Review status: criteria provided, single submitter. Criteria: Invitae Variant Classification Sherloc (09022015). Collection method: clinical testing. Allele origin: germline.
Comment: This sequence change replaces glutamic acid, which is acidic and polar, with lysine, which is basic and polar, at codon 1035 of the KCNT1 protein (p.Glu1035Lys). The frequency data for this variant in the population databases is considered unreliable, as metrics indicate poor data quality at this position in the gnomAD database. This missense change has been observed in individuals with clinical features of autosomal dominant nocturnal frontal lobe epilepsy (internal data). ClinVar contains an entry for this variant (Variation ID: 948343). Invitae Evidence Modeling of protein sequence and biophysical properties (such as structural, functional, and spatial information, amino acid conservation, physicochemical variation, residue mobility, and thermodynamic stability) indicates that this missense variant is not expected to disrupt KCNT1 protein function with a negative predictive value of 80%. In summary, the available evidence is currently insufficient to determine the role of this variant in disease. Therefore, it has been classified as a Variant of Uncertain Significance.

NM_020822.3(KCNT1):c.3103G>A (p.Glu1035Lys)

Gene: KCNT1 (potassium sodium-activated channel subfamily T member 1; plus strand). Cytogenetic location: 9q34.3.
Variant type: single nucleotide variant.
Coding change: c.3103G>A on transcript NM_020822.3 (MANE Select); coding-DNA position 3103, G replaced by A.
Protein change: p.Glu1035Lys; replaces glutamic acid 1035 with lysine.
Molecular consequence: missense variant.
Genome position (GRCh38, 1-based): chr9:135,784,836, G>A. VCF-style: chr9-135784836-G-A. GRCh37 (hg19) VCF-style: chr9-138676682-G-A.
Other names: c.2968G>A, p.Glu990Lys (NM_001272003.2); short protein forms E1035K, E990K.
Identifiers: ClinVar variation 948343 (VCV000948343.8), dbSNP rs748937639, ClinGen allele CA5327614.